The following is an entry in ClinVar:

ClinVar aggregate classification (germline): Uncertain significance (1 of 4 stars; one submission).

Submission:

GeneDx
Classification: Uncertain significance. Last evaluated: 2026-02-20. Review status: criteria provided, single submitter. Criteria: GeneDx Variant Classification Process June 2021. Collection method: clinical testing. Allele origin: germline.
Comment: Not observed at significant frequency in large population cohorts (gnomAD); In silico analysis suggests that this missense variant does not alter protein structure/function; Has not been previously published as pathogenic or benign to our knowledge.

NM_004100.5(EYA4):c.1837A>G (p.Lys613Glu)

Genes: EYA4 (EYA transcriptional coactivator and phosphatase 4; plus strand), TARID (TCF21 antisense RNA inducing promoter demethylation; minus strand). Cytogenetic location: 6q23.2.
Variant type: single nucleotide variant.
Coding change: c.1837A>G on transcript NM_004100.5 (MANE Select); coding-DNA position 1837, A replaced by G.
Protein change: p.Lys613Glu; replaces lysine 613 with glutamic acid.
Molecular consequence: missense variant. On other transcripts: intron variant (3).
Genome position (GRCh38, 1-based): chr6:133,525,252, A>G. VCF-style: chr6-133525252-A-G. GRCh37 (hg19) VCF-style: chr6-133846390-A-G.
Other names: c.1855A>G, p.Lys619Glu (NM_001301013.2); c.1693A>G, p.Lys565Glu (NM_001370459.1); c.1768A>G, p.Lys590Glu (NM_172103.4); c.1839+137A>G (NM_172105.4); c.1770+137A>G (NM_001370458.1); c.1677+137A>G (NM_001301012.2); short protein forms K613E, K565E, K590E, K619E.
Identifiers: ClinVar variation 5009891 (VCV005009891.1).